The following is an entry in ClinVar:

NM_005245.4(FAT1):c.2836A>G (p.Ile946Val)

Gene: FAT1 (FAT atypical cadherin 1; minus strand). Cytogenetic location: 4q35.2.
Variant type: single nucleotide variant.
Coding change: c.2836A>G on transcript NM_005245.4 (MANE Select); coding-DNA position 2836, A replaced by G.
Protein change: p.Ile946Val; replaces isoleucine 946 with valine.
Molecular consequence: missense variant.
Genome position (GRCh38, 1-based): chr4:186,706,992, T>C on the plus strand (A>G on the coding strand, the complement: FAT1 is on the minus strand). VCF-style: chr4-186706992-T-C. GRCh37 (hg19) VCF-style: chr4-187628146-T-C.
Other names: short protein forms I946V.
Identifiers: ClinVar variation 444645 (VCV000444645.46), dbSNP rs778221022, ClinGen allele CA3167163.

ClinVar aggregate classification (germline): Benign/Likely benign. Review status: criteria provided, multiple submitters, no conflicts (2 of 4 stars). 2 submissions from 2 submitters: Benign (1); Likely benign (1). Last evaluated 2026-06-01.

Allele frequency attached by ClinVar (database versions not stated): gnomAD 0.00002 and 0.00008; TOPMed 0.00002; gnomAD exomes 0.00015 and 0.00024; ExAC 0.00022.
gnomAD v4.1: 228 of 1,614,008 alleles (0.014%); highest among the groups gnomAD compares: South Asian, 0.21%; 5 homozygotes.

Submissions (2):

CeGaT Center for Human Genetics Tuebingen
Classification: Likely benign. Last evaluated: 2026-06-01. Review status: criteria provided, single submitter. Criteria: CeGaT Center For Human Genetics Tuebingen Variant Classification Criteria Version 2. Collection method: clinical testing. Allele origin: germline. Affected: yes. Observed: 2 variant alleles.
Comment: FAT1: BP4

Labcorp Genetics (formerly Invitae), Labcorp
Classification: Benign. Last evaluated: 2023-12-26. Review status: criteria provided, single submitter. Criteria: Invitae Variant Classification Sherloc (09022015). Collection method: clinical testing. Allele origin: germline.